The following is an entry in ClinVar:

ClinVar aggregate classification (germline): Uncertain significance (1 of 4 stars; one submission).

Conditions:
Laron-type isolated somatotropin defect. Also called: GROWTH HORMONE RECEPTOR DEFICIENCY; Laron Syndrome; Growth hormone binding protein deficiency or dysfunction; Growth hormone receptor deficiency or dysfunction; Laron dwarfism; Laron type pituitary dwarfism I. Identifiers: Orphanet 633, MedGen C0271568, MONDO:0009877, OMIM 262500.

gnomAD v4.1: 1 of 1,580,198 alleles (0.000063%); highest among the groups gnomAD compares: Admixed American, 0.0017%; no homozygotes.

Submission:

Dasa
Classification: Uncertain significance for Laron syndrome. Last evaluated: 2025-12-21. Review status: criteria provided, single submitter. Criteria: DASA Assertion Criteria. Collection method: clinical testing. Allele origin: germline.
Comment: NM_000163.5(GHR):c.-12+43621T>C is an intronic variant. This variant is rare in population databases. The currently available literature and clinical evidence are not sufficient to establish a definitive association between this variant and the reported condition. Therefore, this variant is classified as a variant of uncertain significance.

NM_000163.5(GHR):c.-12+43621T>C

Gene: GHR (growth hormone receptor; plus strand). Cytogenetic location: 5p13.1.
Variant type: single nucleotide variant.
Coding change: c.-12+43621T>C on transcript NM_000163.5 (MANE Select); 43621 bases into the intron after 12 bases upstream of the start codon, T replaced by C.
Molecular consequence: intron variant.
Genome position (GRCh38, 1-based): chr5:42,467,576, T>C. VCF-style: chr5-42467576-T-C. GRCh37 (hg19) VCF-style: chr5-42467678-T-C.
Other names: c.-12+43621T>C (NM_001242460.2); c.-297+42978T>C (NM_001242400.2); c.10+42978T>C (NM_001242399.2); c.-104-15661T>C (NM_001242401.4).
Identifiers: ClinVar variation 4881121 (VCV004881121.2).